The following is an entry in ClinVar:

ClinVar aggregate classification (germline): Uncertain significance (1 of 4 stars; one submission).

Allele frequency attached by ClinVar (database versions not stated): ExAC 0.00005; gnomAD 0.00001; TOPMed 0.00002.
gnomAD v4.1: 24 of 1,614,112 alleles (0.0015%); highest among the groups gnomAD compares: Non-Finnish European, 0.0019%; no homozygotes.

Submission:

Labcorp Genetics (formerly Invitae), Labcorp
Classification: Uncertain significance. Last evaluated: 2024-04-29. Review status: criteria provided, single submitter. Criteria: Invitae Variant Classification Sherloc (09022015). Collection method: clinical testing. Allele origin: germline.
Comment: This sequence change creates a premature translational stop signal (p.Glu550*) in the PCK2 gene. While this is not anticipated to result in nonsense mediated decay, it is expected to disrupt the last 91 amino acid(s) of the PCK2 protein. This variant is present in population databases (rs771599629, gnomAD 0.006%). This variant has not been reported in the literature in individuals affected with PCK2-related conditions. Experimental studies and prediction algorithms are not available or were not evaluated, and the functional significance of this variant is currently unknown. In summary, the available evidence is currently insufficient to determine the role of this variant in disease. Therefore, it has been classified as a Variant of Uncertain Significance.

NM_004563.4(PCK2):c.1648G>T (p.Glu550Ter)

Genes: NRL (neural retina leucine zipper; minus strand), PCK2 (phosphoenolpyruvate carboxykinase 2, mitochondrial; plus strand). Cytogenetic location: 14q12.
Variant type: single nucleotide variant.
Coding change: c.1648G>T on transcript NM_004563.4 (MANE Select); coding-DNA position 1648, G replaced by T.
Protein change: p.Glu550Ter; replaces glutamic acid 550 with a stop codon.
Molecular consequence: nonsense. On other transcripts: intron variant (3).
Genome position (GRCh38, 1-based): chr14:24,103,689, G>T. VCF-style: chr14-24103689-G-T. GRCh37 (hg19) VCF-style: chr14-24572898-G-T.
Other names: c.1246G>T, p.Glu416Ter (NM_001291556.2, NM_001308054.2); c.-28+11033C>A (NM_001354768.3, NM_001354770.2); c.-254+11033C>A (NM_006177.5); short protein forms E416*, E550*.
Identifiers: ClinVar variation 2859885 (VCV002859885.3), dbSNP rs771599629, ClinGen allele CA7123586.